The following is an entry in ClinVar:

ClinVar aggregate classification (germline): Uncertain significance (1 of 4 stars; one submission).

Conditions:
Long QT syndrome (LQTS). Identifiers: MedGen C0023976, MeSH D008133, MONDO:0002442. Disease mechanism: loss of function. Inheritance: Various modes of inheritance.

Allele frequency attached by ClinVar (database versions not stated): gnomAD exomes below 0.00001; TOPMed below 0.00001; gnomAD 0.00001.
gnomAD v4.1: 3 of 1,611,324 alleles (0.00019%); highest among the groups gnomAD compares: Non-Finnish European, 0.00025%; no homozygotes.

Submission:

Labcorp Genetics (formerly Invitae), Labcorp
Classification: Uncertain significance for Long QT syndrome. Last evaluated: 2022-05-28. Review status: criteria provided, single submitter. Criteria: Invitae Variant Classification Sherloc (09022015). Collection method: clinical testing. Allele origin: germline.
Comment: This variant has not been reported in the literature in individuals affected with CACNA1C-related conditions. Variants that disrupt the consensus splice site are a relatively common cause of aberrant splicing (PMID: 17576681, 9536098). Algorithms developed to predict the effect of sequence changes on RNA splicing suggest that this variant is not likely to affect RNA splicing. In summary, the available evidence is currently insufficient to determine the role of this variant in disease. Therefore, it has been classified as a Variant of Uncertain Significance. This variant is not present in population databases (gnomAD no frequency). This sequence change falls in intron 42 of the CACNA1C gene. It does not directly change the encoded amino acid sequence of the CACNA1C protein. It affects a nucleotide within the consensus splice site.

Literature cited by the submitters: PubMed 17576681; PubMed 9536098.

NM_000719.7(CACNA1C):c.5445-3T>C

Genes: CACNA1C (calcium voltage-gated channel subunit alpha1 C; plus strand), CACNA1C-AS1 (CACNA1C antisense RNA 1; minus strand). Cytogenetic location: 12p13.33.
Variant type: single nucleotide variant.
Coding change: c.5445-3T>C on transcript NM_000719.7 (MANE Select); 3 bases into the intron before coding-DNA position 5445, T replaced by C.
Molecular consequence: intron variant.
Genome position (GRCh38, 1-based): chr12:2,682,547, T>C. VCF-style: chr12-2682547-T-C. GRCh37 (hg19) VCF-style: chr12-2791713-T-C.
Other names: c.5550-3T>C (NM_001167624.3, NM_001129830.3); c.5445-3T>C (NM_001167623.2, NM_001129840.2, NM_001129842.2 and 2 more transcripts); c.5625-3T>C (NM_001167625.2); c.5694-3T>C (NM_199460.4); c.5589-3T>C (NM_001129827.2); c.5505-3T>C (NM_001129832.2); c.5529-3T>C (NM_001129831.2); c.5502-3T>C (NM_001129833.2, NM_001129834.2, NM_001129835.2); and 6 more.
Identifiers: ClinVar variation 2140739 (VCV002140739.4), dbSNP rs2097201832, ClinGen allele CA944106402.